The following is an entry in ClinVar:

ClinVar aggregate classification (germline): Pathogenic. Review status: criteria provided, multiple submitters, no conflicts (2 of 4 stars). 2 submissions from 2 submitters: Pathogenic (2). Last evaluated 2025-08-18.

Conditions:
LAMA2-related muscular dystrophy (LAMA2-RD). Also called: Laminin alpha 2-related dystrophy. Identifiers: MedGen C5679788, MONDO:0100228.

Submissions (2):

Myriad Genetics, Inc.
Classification: Pathogenic for LAMA2-related muscular dystrophy. Last evaluated: 2025-08-18. Review status: criteria provided, single submitter. Criteria: Myriad Autosomal Dominant, Autosomal Recessive and X-Linked Classification Criteria (2023). Collection method: clinical testing. Allele origin: unknown.
Comment: NM_000426.3(LAMA2):c.4345G>T(E1449*) is expected to be pathogenic in the context of muscular dystrophy, LAMA2-related. This variant is predicted to lead to an abnormal or absent protein product due to the creation of a premature termination codon in LAMA2, a gene where loss-of-function variants are known to be pathogenic. Please note: this variant was assessed in the context of healthy population screening.

Labcorp Genetics (formerly Invitae), Labcorp
Classification: Pathogenic for LAMA2-related muscular dystrophy. Last evaluated: 2023-08-10. Review status: criteria provided, single submitter. Criteria: Invitae Variant Classification Sherloc (09022015). Collection method: clinical testing. Allele origin: germline.
Comment: For these reasons, this variant has been classified as Pathogenic. ClinVar contains an entry for this variant (Variation ID: 2108644). This variant has not been reported in the literature in individuals affected with LAMA2-related conditions. This variant is not present in population databases (gnomAD no frequency). This sequence change creates a premature translational stop signal (p.Glu1449*) in the LAMA2 gene. It is expected to result in an absent or disrupted protein product. Loss-of-function variants in LAMA2 are known to be pathogenic (PMID: 18700894, 32904964).

Literature cited by the submitters: PubMed 18700894 (cited by Labcorp Genetics (formerly Invitae), Labcorp); PubMed 32904964 (cited by Labcorp Genetics (formerly Invitae), Labcorp).

NM_000426.4(LAMA2):c.4345G>T (p.Glu1449Ter)

Gene: LAMA2 (laminin subunit alpha 2; plus strand). Cytogenetic location: 6q22.33.
Variant type: single nucleotide variant.
Coding change: c.4345G>T on transcript NM_000426.4 (MANE Select); coding-DNA position 4345, G replaced by T.
Protein change: p.Glu1449Ter; replaces glutamic acid 1449 with a stop codon.
Molecular consequence: nonsense.
Genome position (GRCh38, 1-based): chr6:129,342,376, G>T. VCF-style: chr6-129342376-G-T. GRCh37 (hg19) VCF-style: chr6-129663521-G-T.
Other names: c.4345G>T, p.Glu1449Ter (NM_001079823.2); short protein forms E1449*.
Identifiers: ClinVar variation 2108644 (VCV002108644.5), dbSNP rs2482531900, ClinGen allele CA365615209.